The following is an entry in ClinVar:

NM_000222.3(KIT):c.996T>A (p.Asp332Glu)

Gene: KIT (KIT proto-oncogene, receptor tyrosine kinase; plus strand). Cytogenetic location: 4q12.
Variant type: single nucleotide variant.
Coding change: c.996T>A on transcript NM_000222.3 (MANE Select); coding-DNA position 996, T replaced by A.
Protein change: p.Asp332Glu; replaces aspartic acid 332 with glutamic acid.
Molecular consequence: missense variant.
Genome position (GRCh38, 1-based): chr4:54,707,168, T>A. VCF-style: chr4-54707168-T-A. GRCh37 (hg19) VCF-style: chr4-55573334-T-A.
Other names: c.996T>A, p.Asp332Glu (NM_001093772.2, NM_001385285.1, NM_001385286.1); c.999T>A, p.Asp333Glu (NM_001385284.1, NM_001385288.1, NM_001385290.1 and 1 more transcripts); short protein forms D332E, D333E.
Identifiers: ClinVar variation 971031 (VCV000971031.10), dbSNP rs1720841191, ClinGen allele CA356900918.

ClinVar aggregate classification (germline): Uncertain significance (1 of 4 stars; one submission).

Conditions:
Gastrointestinal stromal tumor. Also called: Gastrointestinal stromal tumor, somatic; Gastrointestinal stroma tumor. Identifiers: Orphanet 44890, MedGen C0238198, MeSH D046152, MONDO:0011719, OMIM 606764, HP:0100723.

Submission:

Labcorp Genetics (formerly Invitae), Labcorp
Classification: Uncertain significance for Gastrointestinal stromal tumor. Last evaluated: 2022-01-27. Review status: criteria provided, single submitter. Criteria: Invitae Variant Classification Sherloc (09022015). Collection method: clinical testing. Allele origin: germline.
Comment: In summary, the available evidence is currently insufficient to determine the role of this variant in disease. Therefore, it has been classified as a Variant of Uncertain Significance. Algorithms developed to predict the effect of missense changes on protein structure and function (SIFT, PolyPhen-2, Align-GVGD) all suggest that this variant is likely to be tolerated. ClinVar contains an entry for this variant (Variation ID: 971031). This variant has not been reported in the literature in individuals affected with KIT-related conditions. This variant is not present in population databases (gnomAD no frequency). This sequence change replaces aspartic acid, which is acidic and polar, with glutamic acid, which is acidic and polar, at codon 332 of the KIT protein (p.Asp332Glu).